The following is an entry in ClinVar:

ClinVar aggregate classification (germline): Benign/Likely benign. Review status: criteria provided, multiple submitters, no conflicts (2 of 4 stars). 5 submissions from 5 submitters: Benign (1); Likely benign (4). Last evaluated 2026-01-28.

Conditions:
Familial hypoparathyroidism. Also called: Familial isolated hypoparathyroidism. Identifiers: Orphanet 2238, MedGen C1832648, MONDO:0016390.
Hypoparathyroidism, familial isolated, 2. Identifiers: MedGen C5394383, MONDO:0020798, OMIM 618883.
Hyperparathyroidism 4 (HRPT4). Identifiers: MedGen C4479229, MONDO:0024570, OMIM 617343.

Allele frequency attached by ClinVar (database versions not stated): gnomAD 0.01190 and 0.01292; ESP Exome Variant Server 0.01353; TOPMed 0.01357; gnomAD exomes 0.00124 and 0.00327; ExAC 0.00390; 1000 Genomes Project 0.01078; 1000 Genomes Project 30x 0.01156.
gnomAD v4.1: 3,680 of 1,614,196 alleles (0.23%); highest among the groups gnomAD compares: African/African-American, 4.1%; 59 homozygotes.

Submissions (5):

Labcorp Genetics (formerly Invitae), Labcorp
Classification: Benign. Last evaluated: 2026-01-28. Review status: criteria provided, single submitter. Criteria: Invitae Variant Classification Sherloc (09022015). Collection method: clinical testing. Allele origin: germline.

Blueprint Genetics
Classification: Likely benign. Last evaluated: 2024-11-01. Review status: criteria provided, single submitter. Criteria: ACMG Guidelines, 2015. Collection method: clinical testing. Allele origin: germline.

Fulgent Genetics
Classification: Likely benign for Hyperparathyroidism 4; Hypoparathyroidism, familial isolated, 2. Last evaluated: 2021-07-23. Review status: criteria provided, single submitter. Criteria: ACMG Guidelines, 2015. Collection method: clinical testing. Allele origin: unknown.

Illumina Laboratory Services, Illumina
Classification: Likely benign for Hypoparathyroidism, familial isolated 1. Last evaluated: 2017-04-27. Review status: criteria provided, single submitter. Criteria: ICSL Variant Classification Criteria 13 December 2019. Collection method: clinical testing. Allele origin: germline.
Comment: This variant was observed as part of a predisposition screen in an ostensibly healthy population. A literature search was performed for the gene, cDNA change, and amino acid change (where applicable). No publications were found based on this search. Allele frequency data from public databases allowed determination this variant is unlikely to cause disease. Therefore, this variant is classified as likely benign.

Breakthrough Genomics
Classification: Likely benign. Review status: criteria provided, single submitter. Criteria: ACMG Guidelines, 2015. Collection method: not provided. Allele origin: germline. Inheritance: Autosomal recessive inheritance. Affected: yes.

NM_004752.4(GCM2):c.1060A>G (p.Met354Val)

Gene: GCM2 (GCM transcription factor 2; minus strand). Cytogenetic location: 6p24.2.
Variant type: single nucleotide variant.
Coding change: c.1060A>G on transcript NM_004752.4 (MANE Select); coding-DNA position 1060, A replaced by G.
Protein change: p.Met354Val; replaces methionine 354 with valine.
Molecular consequence: missense variant.
Genome position (GRCh38, 1-based): chr6:10,874,456, T>C on the plus strand (A>G on the coding strand, the complement: GCM2 is on the minus strand). VCF-style: chr6-10874456-T-C. GRCh37 (hg19) VCF-style: chr6-10874689-T-C.
Other names: short protein forms M354V.
Identifiers: ClinVar variation 355009 (VCV000355009.16), dbSNP rs61734278, ClinGen allele CA3633961.